The following is an entry in ClinVar:

NM_003072.5(SMARCA4):c.3952-7C>T

Gene: SMARCA4 (SWI/SNF related BAF chromatin remodeling complex subunit ATPase 4; plus strand). Cytogenetic location: 19p13.2.
Variant type: single nucleotide variant.
Coding change: c.3952-7C>T on transcript NM_003072.5 (MANE Select); 7 bases into the intron before coding-DNA position 3952, C replaced by T.
Molecular consequence: intron variant.
Genome position (GRCh38, 1-based): chr19:11,034,907, C>T. VCF-style: chr19-11034907-C-T. GRCh37 (hg19) VCF-style: chr19-11145583-C-T.
Other names: c.3952-7C>T (NM_001128844.3, NM_001128849.3, NM_001387283.1); c.3853-7C>T (NM_001128847.4, NM_001374457.1, NM_001128845.2 and 2 more transcripts).
Identifiers: ClinVar variation 1108704 (VCV001108704.10), dbSNP rs1228057193, ClinGen allele CA631763871.

ClinVar aggregate classification (germline): Likely benign. Review status: criteria provided, multiple submitters, no conflicts (2 of 4 stars). 2 submissions from 2 submitters: Likely benign (2). Last evaluated 2026-07-08.

Conditions:
Rhabdoid tumor predisposition syndrome 2 (RTPS2). Identifiers: Orphanet 231108, Orphanet 69077, MedGen C2750074, MONDO:0013224, OMIM 613325.

Allele frequency attached by ClinVar (database versions not stated): TOPMed below 0.00001.
gnomAD v4.1: 3 of 1,550,732 alleles (0.00019%); highest among the groups gnomAD compares: Non-Finnish European, 0.00017%; no homozygotes.

Submissions (2):

Myriad Genetics, Inc.
Classification: Likely benign for Rhabdoid tumor predisposition syndrome 2. Last evaluated: 2026-07-08. Review status: criteria provided, single submitter. Criteria: Myriad Autosomal Dominant, Autosomal Recessive and X-Linked Classification Criteria (2023). Collection method: clinical testing. Allele origin: unknown.
Comment: This variant is considered likely benign. This variant is intronic and is not expected to impact mRNA splicing.

Labcorp Genetics (formerly Invitae), Labcorp
Classification: Likely benign for Rhabdoid tumor predisposition syndrome 2. Last evaluated: 2024-10-24. Review status: criteria provided, single submitter. Criteria: Invitae Variant Classification Sherloc (09022015). Collection method: clinical testing. Allele origin: germline.